The following is an entry in ClinVar:

NM_001378615.1(CC2D2A):c.3145C>G (p.Arg1049Gly)

Genes: CC2D2A (coiled-coil and C2 domain containing 2A; plus strand), FBXL5 (F-box and leucine rich repeat protein 5; minus strand). Cytogenetic location: 4p15.32.
Variant type: single nucleotide variant.
Coding change: c.3145C>G on transcript NM_001378615.1 (MANE Select); coding-DNA position 3145, C replaced by G.
Protein change: p.Arg1049Gly; replaces arginine 1049 with glycine.
Molecular consequence: missense variant.
Genome position (GRCh38, 1-based): chr4:15,563,485, C>G. VCF-style: chr4-15563485-C-G. GRCh37 (hg19) VCF-style: chr4-15565108-C-G.
Other names: c.3145C>G, p.Arg1049Gly (NM_001080522.2); c.2998C>G, p.Arg1000Gly (NM_001378617.1); short protein forms R1049G, R1000G.
Identifiers: ClinVar variation 56302 (VCV000056302.2), dbSNP rs386833750, ClinGen allele CA144221.

ClinVar aggregate classification (germline): Likely pathogenic (0 of 4 stars; one submission).

Conditions:
Meckel syndrome, type 6. Identifiers: Orphanet 564, MedGen C2676790, MONDO:0012848, OMIM 612284.

Submission:

Juha Muilu Group; Institute for Molecular Medicine Finland (FIMM)
Classification: Likely pathogenic for Meckel syndrome, type 6. Review status: no assertion criteria provided. Collection method: not provided. Allele origin: unknown.
Comment: FinDis database variant: This variant was not found or characterized by our laboratory, data were collected from public sources: see reference
ClinVar note: Converted during submission from probable-pathogenic to Likely pathogenic.